The following is an entry in ClinVar:

NM_002206.3(ITGA7):c.1012A>G (p.Ile338Val)

Gene: ITGA7 (integrin subunit alpha 7; minus strand). Cytogenetic location: 12q13.2.
Variant type: single nucleotide variant.
Coding change: c.1012A>G on transcript NM_002206.3 (MANE Select); coding-DNA position 1012, A replaced by G.
Protein change: p.Ile338Val; replaces isoleucine 338 with valine.
Molecular consequence: missense variant. On other transcripts: 5 prime UTR variant (1).
Genome position (GRCh38, 1-based): chr12:55,698,563, T>C on the plus strand (A>G on the coding strand, the complement: ITGA7 is on the minus strand). VCF-style: chr12-55698563-T-C. GRCh37 (hg19) VCF-style: chr12-56092347-T-C.
Other names: c.1012A>G, p.Ile338Val (NM_001374465.1, NM_001414031.1, NM_001414034.1); c.1144A>G, p.Ile382Val (NM_001410977.1); c.1024A>G, p.Ile342Val (NM_001144996.2, NM_001414029.1, NM_001414030.1); c.733A>G, p.Ile245Val (NM_001144997.2); c.685A>G, p.Ile229Val (NM_001367993.1); c.-281A>G (NM_001367994.1); c.892A>G, p.Ile298Val (NM_001414032.1); c.829A>G, p.Ile277Val (NM_001414033.1); and 1 more; short protein forms I245V, I342V, I229V, I338V, I382V, I277V, I225V, I298V.
Identifiers: ClinVar variation 648922 (VCV000648922.11), dbSNP rs879008268, ClinGen allele CA385190535.
Genomic context (GRCh38, chr12:55,698,563, plus strand): 5'-ACACATACACAGCACCCCCCAGCTCTTCTTGGCGCTCAAAGAAGTAGGGGGCACCCACTA[T>C]CAGGTCTGGCCAGCTATGGAGAGAGGGAAACATTCAGTGTGGGTCCTCCCTGGCCAGAGG-3'
Protein context (NP_002197.2, residues 328-348): DLNSDGWPDL[Ile338Val]VGAPYFFERQ

ClinVar aggregate classification (germline): Conflicting classifications of pathogenicity. Review status: criteria provided, conflicting classifications (1 of 4 stars). 4 submissions from 4 submitters: Uncertain significance (3); Likely benign (1). Last evaluated 2026-01-19.

Conditions:
Congenital muscular dystrophy due to integrin alpha-7 deficiency. Also called: MYOPATHY, CONGENITAL, DUE TO INTEGRIN ALPHA-7 DEFICIENCY; Congenital muscular dystrophy with integrin alpha-7 deficiency; Muscular dystrophy, congenital, due to ITGA7 deficiency. Identifiers: Orphanet 34520, MedGen C2750786, MONDO:0013177, OMIM 613204.

Allele frequency attached by ClinVar (database versions not stated): TOPMed 0.00001.
gnomAD v4.1: 5 of 1,614,058 alleles (0.00031%); highest among the groups gnomAD compares: South Asian, 0.0044%; no homozygotes.

Submissions (4):

Labcorp Genetics (formerly Invitae), Labcorp
Classification: Uncertain significance for Congenital muscular dystrophy due to integrin alpha-7 deficiency. Last evaluated: 2026-01-19. Review status: criteria provided, single submitter. Criteria: Invitae Variant Classification Sherloc (09022015). Collection method: clinical testing. Allele origin: germline.
Comment: This sequence change replaces isoleucine, which is neutral and non-polar, with valine, which is neutral and non-polar, at codon 338 of the ITGA7 protein (p.Ile338Val). This variant is not present in population databases (gnomAD no frequency). This variant has not been reported in the literature in individuals affected with ITGA7-related conditions. ClinVar contains an entry for this variant (Variation ID: 648922). Invitae Evidence Modeling of protein sequence and biophysical properties (such as structural, functional, and spatial information, amino acid conservation, physicochemical variation, residue mobility, and thermodynamic stability) indicates that this missense variant is not expected to disrupt ITGA7 protein function with a negative predictive value of 80%. In summary, the available evidence is currently insufficient to determine the role of this variant in disease. Therefore, it has been classified as a Variant of Uncertain Significance.

Ambry Genetics
Classification: Likely benign. Last evaluated: 2025-10-29. Review status: criteria provided, single submitter. Criteria: Ambry Variant Classification Scheme 2023. Collection method: clinical testing. Allele origin: germline.

Revvity Omics, Revvity
Classification: Uncertain significance for Congenital muscular dystrophy due to integrin alpha-7 deficiency. Last evaluated: 2024-08-08. Review status: criteria provided, single submitter. Criteria: ACMG Guidelines, 2015. Collection method: clinical testing. Allele origin: germline.

GeneDx
Classification: Uncertain significance. Last evaluated: 2022-05-27. Review status: criteria provided, single submitter. Criteria: GeneDx Variant Classification Process June 2021. Collection method: clinical testing. Allele origin: germline. Affected: yes.
Comment: Not observed at significant frequency in large population cohorts (gnomAD); In silico analysis supports that this missense variant does not alter protein structure/function; Has not been previously published as pathogenic or benign to our knowledge